The following is an entry in ClinVar:

NM_000062.3(SERPING1):c.356del (p.Thr119fs)

Gene: SERPING1 (serpin family G member 1; plus strand). Cytogenetic location: 11q12.1.
Variant type: Deletion.
Coding change: c.356del on transcript NM_000062.3 (MANE Select); coding-DNA position 356, one base deleted (C; older notation c.356delC).
Protein change: p.Thr119fs; shifts the reading frame from threonine 119.
Molecular consequence: frameshift variant.
Genome position (GRCh38, 1-based): chr11:57,600,183, C deleted. VCF-style (leftmost placement, unchanged base first): chr11-57600182-AC-A. GRCh37 (hg19) VCF-style: chr11-57367655-AC-A.
Other names: c.356del, p.Thr119fs (NM_001032295.2); short protein forms T119fs.
Identifiers: ClinVar variation 4725775 (VCV004725775.1).

ClinVar aggregate classification (germline): Pathogenic (1 of 4 stars; one submission).

Submission:

Labcorp Genetics (formerly Invitae), Labcorp
Classification: Pathogenic. Last evaluated: 2025-08-20. Review status: criteria provided, single submitter. Criteria: Invitae Variant Classification Sherloc (09022015). Collection method: clinical testing. Allele origin: germline.
Comment: This sequence change creates a premature translational stop signal (p.Thr119Metfs*29) in the SERPING1 gene. It is expected to result in an absent or disrupted protein product. Loss-of-function variants in SERPING1 are known to be pathogenic (PMID: 11112899, 24456027). This variant is not present in population databases (gnomAD no frequency). This variant has not been reported in the literature in individuals affected with SERPING1-related conditions. For these reasons, this variant has been classified as Pathogenic.

Literature cited by the submitters: PubMed 11112899; PubMed 24456027.